The following is an entry in ClinVar:

ClinVar aggregate classification (germline): Conflicting classifications of pathogenicity. Review status: criteria provided, conflicting classifications (1 of 4 stars). 2 submissions from 2 submitters: Uncertain significance (1); Benign (1). Last evaluated 2023-07-01.

Conditions:
Autosomal recessive spinocerebellar ataxia 10. Identifiers: Orphanet 284289, MedGen C3150998, MONDO:0013392, OMIM 613728.

Allele frequency attached by ClinVar (database versions not stated): 1000 Genomes Project 30x 0.00219; 1000 Genomes Project 0.00220; TOPMed 0.00642; gnomAD 0.00701 and 0.00714; gnomAD exomes 0.00812.
gnomAD v4.1: 2,230 of 295,332 alleles (0.76%); highest among the groups gnomAD compares: Non-Finnish European, 1.1%; 14 homozygotes.

Submissions (2):

CeGaT Center for Human Genetics Tuebingen
Classification: Benign. Last evaluated: 2023-07-01. Review status: criteria provided, single submitter. Criteria: CeGaT Center For Human Genetics Tuebingen Variant Classification Criteria Version 2. Collection method: clinical testing. Allele origin: germline. Affected: yes. Observed: 3 variant alleles.
Comment: ANO10: BS1, BS2

Illumina Laboratory Services, Illumina
Classification: Uncertain significance for Autosomal recessive spinocerebellar ataxia 10. Last evaluated: 2018-01-13. Review status: criteria provided, single submitter. Criteria: ICSL Variant Classification Criteria 13 December 2019. Collection method: clinical testing. Allele origin: germline.

NM_018075.5(ANO10):c.*447G>A

Gene: ANO10 (anoctamin 10; minus strand). Cytogenetic location: 3p22.1.
Variant type: single nucleotide variant.
Coding change: c.*447G>A on transcript NM_018075.5 (MANE Select); 447 bases downstream of the stop codon, G replaced by A.
Molecular consequence: 3 prime UTR variant.
Genome position (GRCh38, 1-based): chr3:43,366,459, C>T on the plus strand (G>A on the coding strand, the complement: ANO10 is on the minus strand). VCF-style: chr3-43366459-C-T. GRCh37 (hg19) VCF-style: chr3-43407951-C-T.
Other names: c.*549G>A (NM_001204831.3); c.*447G>A (NM_001204832.3, NM_001204833.3, NM_001204834.3 and 7 more transcripts).
Identifiers: ClinVar variation 345163 (VCV000345163.29), dbSNP rs112787589, ClinGen allele CA10615830.
Genomic context (GRCh38, chr3:43,366,459, plus strand): 5'-ATGTATTGCAAAAGAGAACCAGGAAAGAGGTCCAGTGTGGGAAGCACTGCCTTACTGTAC[C>T]CCGCTCACTCTCAACTGAGGCTCCTGTGATGAGCACAGTGGGCACACACCCCATCCCCAA-3'